The following is an entry in ClinVar:

ClinVar aggregate classification (germline): Uncertain significance (1 of 4 stars; one submission).

Conditions:
Myofibrillar myopathy 5. Also called: Filaminopathy (type); FILAMINOPATHY, AUTOSOMAL DOMINANT. Identifiers: Orphanet 171445, MedGen C1836050, MONDO:0012289, OMIM 609524.
Hypertrophic cardiomyopathy 26. Also called: Cardiomyopathy, familial hypertrophic, 26. Identifiers: Orphanet 75249, MedGen C4310749, MONDO:0014883, OMIM 617047.
Distal myopathy with posterior leg and anterior hand involvement. Also called: WILLIAMS DISTAL MYOPATHY. Identifiers: Orphanet 63273, MedGen C3279722, MONDO:0013550, OMIM 614065.

Submission:

Labcorp Genetics (formerly Invitae), Labcorp
Classification: Uncertain significance for Distal myopathy with posterior leg and anterior hand involvement; Myofibrillar myopathy 5; Hypertrophic cardiomyopathy 26. Last evaluated: 2024-01-15. Review status: criteria provided, single submitter. Criteria: Invitae Variant Classification Sherloc (09022015). Collection method: clinical testing. Allele origin: germline.
Comment: This sequence change replaces threonine, which is neutral and polar, with serine, which is neutral and polar, at codon 1317 of the FLNC protein (p.Thr1317Ser). This variant is not present in population databases (gnomAD no frequency). This variant has not been reported in the literature in individuals affected with FLNC-related conditions. Advanced modeling of protein sequence and biophysical properties (such as structural, functional, and spatial information, amino acid conservation, physicochemical variation, residue mobility, and thermodynamic stability) has been performed at Invitae for this missense variant, however the output from this modeling did not meet the statistical confidence thresholds required to predict the impact of this variant on FLNC protein function. In summary, the available evidence is currently insufficient to determine the role of this variant in disease. Therefore, it has been classified as a Variant of Uncertain Significance.

NM_001458.5(FLNC):c.3950C>G (p.Thr1317Ser)

Gene: FLNC (filamin C; plus strand). Cytogenetic location: 7q32.1.
Variant type: single nucleotide variant.
Coding change: c.3950C>G on transcript NM_001458.5 (MANE Select); coding-DNA position 3950, C replaced by G.
Protein change: p.Thr1317Ser; replaces threonine 1317 with serine.
Molecular consequence: missense variant.
Genome position (GRCh38, 1-based): chr7:128,846,149, C>G. VCF-style: chr7-128846149-C-G. GRCh37 (hg19) VCF-style: chr7-128486203-C-G.
Other names: c.3950C>G, p.Thr1317Ser (NM_001127487.2); short protein forms T1317S.
Identifiers: ClinVar variation 2926764 (VCV002926764.3), dbSNP rs2536641201, ClinGen allele CA369198795.
Genomic context (GRCh38, chr7:128,846,149, plus strand): 5'-GGGCCAAGACAGACACCTATGTGACAGACAATGGGGACGGCACCTACCGAGTGCAGTACA[C>G]CGCCTACGAGGAGGGTGAGGGCCGGTGGGCCAGGCTAGTGGGCAGGGCTGGGCAAGTGGG-3'
Protein context (NP_001449.3, residues 1307-1327): NGDGTYRVQY[Thr1317Ser]AYEEGVHLVE